The following is an entry in ClinVar:

NM_000135.4(FANCA):c.3424T>C (p.Cys1142Arg)

Gene: FANCA (FA complementation group A; minus strand). Cytogenetic location: 16q24.3.
Variant type: single nucleotide variant.
Coding change: c.3424T>C on transcript NM_000135.4 (MANE Select); coding-DNA position 3424, T replaced by C.
Protein change: p.Cys1142Arg; replaces cysteine 1142 with arginine.
Molecular consequence: missense variant.
Genome position (GRCh38, 1-based): chr16:89,746,673, A>G on the plus strand (T>C on the coding strand, the complement: FANCA is on the minus strand). VCF-style: chr16-89746673-A-G. GRCh37 (hg19) VCF-style: chr16-89813081-A-G.
Other names: c.3424T>C, p.Cys1142Arg (NM_001286167.3); short protein forms C1142R.
Identifiers: ClinVar variation 974053 (VCV000974053.1), dbSNP rs2038401184, ClinGen allele CA397485997.

ClinVar aggregate classification (germline): Uncertain significance (0 of 4 stars; one submission).

Conditions:
Fanconi anemia complementation group A (FANCA). Also called: Fanconi anemia, group A; FANCA-Related Fanconi Anemia. Identifiers: Orphanet 84, MedGen C3469521, MONDO:0009215, OMIM 227650.

Allele frequency attached by ClinVar (database versions not stated): gnomAD exomes below 0.00001.
gnomAD v4.1: 1 of 1,614,136 alleles (0.000062%); highest among the groups gnomAD compares: Non-Finnish European, 0.000085%; no homozygotes.

Submission:

Leiden Open Variation Database
Classification: Uncertain significance for Fanconi anemia complementation group A. Last evaluated: 2020-02-28. Review status: no assertion criteria provided. Collection method: curation. Allele origin: germline. Affected: yes.
Comment: Curator: Arleen D. Auerbach. Submitter to LOVD: Arleen D. Auerbach.